The following is an entry in ClinVar:

NM_002617.4(PEX10):c.307C>G (p.Pro103Ala)

Gene: PEX10 (peroxisomal biogenesis factor 10; minus strand). Cytogenetic location: 1p36.32.
Variant type: single nucleotide variant.
Coding change: c.307C>G on transcript NM_002617.4 (MANE Select); coding-DNA position 307, C replaced by G.
Protein change: p.Pro103Ala; replaces proline 103 with alanine.
Molecular consequence: missense variant. On other transcripts: 5 prime UTR variant (2), non-coding transcript variant (1).
Genome position (GRCh38, 1-based): chr1:2,408,745, G>C on the plus strand (C>G on the coding strand, the complement: PEX10 is on the minus strand). VCF-style: chr1-2408745-G-C. GRCh37 (hg19) VCF-style: chr1-2340184-G-C.
Other names: c.307C>G, p.Pro103Ala (NM_001374425.1, NM_153818.2); c.-126C>G (NM_001374426.1, NM_001374427.1); short protein forms P103A.
Identifiers: ClinVar variation 1349675 (VCV001349675.3), dbSNP rs1299562078, ClinGen allele CA337988681.

ClinVar aggregate classification (germline): Uncertain significance (1 of 4 stars; one submission).

Conditions:
Peroxisome biogenesis disorder, complementation group 7 (CG7). Also called: Peroxisome biogenesis disorder, complementation group B. Identifiers: MedGen C1864399.

Allele frequency attached by ClinVar (database versions not stated): gnomAD exomes below 0.00001; TOPMed below 0.00001; gnomAD 0.00001.
gnomAD v4.1: 2 of 1,613,774 alleles (0.00012%); highest among the groups gnomAD compares: Non-Finnish European, 0.00017%; no homozygotes.

Submission:

Labcorp Genetics (formerly Invitae), Labcorp
Classification: Uncertain significance for Peroxisome biogenesis disorder, complementation group 7. Last evaluated: 2021-10-12. Review status: criteria provided, single submitter. Criteria: Invitae Variant Classification Sherloc (09022015). Collection method: clinical testing. Allele origin: germline.
Comment: This sequence change replaces proline with alanine at codon 103 of the PEX10 protein (p.Pro103Ala). The proline residue is highly conserved and there is a small physicochemical difference between proline and alanine. This variant is not present in population databases (ExAC no frequency). This variant has not been reported in the literature in individuals with PEX10-related conditions. Algorithms developed to predict the effect of missense changes on protein structure and function are either unavailable or do not agree on the potential impact of this missense change (SIFT: "Tolerated"; PolyPhen-2: "Probably Damaging"; Align-GVGD: "Class C0"). In summary, the available evidence is currently insufficient to determine the role of this variant in disease. Therefore, it has been classified as a Variant of Uncertain Significance.